The following is an entry in ClinVar:

ClinVar aggregate classification (germline): Conflicting classifications of pathogenicity. Review status: criteria provided, conflicting classifications (1 of 4 stars). 3 submissions from 3 submitters: Uncertain significance (2); Likely benign (1). Last evaluated 2025-09-05.

Conditions:
TTN-related disorder. Also called: TTN-related disorders; TTN-related condition; TTN-related disease.

Allele frequency attached by ClinVar (database versions not stated): gnomAD exomes 0.00002 and 0.00003; ExAC 0.00003; TOPMed 0.00003; gnomAD 0.00004.
gnomAD v4.1: 32 of 1,613,474 alleles (0.002%); highest among the groups gnomAD compares: Non-Finnish European, 0.0027%; no homozygotes.

Submissions (3):

PreventionGenetics, part of Exact Sciences
Classification: Uncertain significance for TTN-related condition. Last evaluated: 2025-09-05. Review status: criteria provided, single submitter. Criteria: ACMG Guidelines, 2015. Collection method: clinical testing. Allele origin: germline.
Comment: The TTN c.80083G>T variant is predicted to result in the amino acid substitution p.Val26695Leu. To our knowledge, this variant has not been reported in the literature. This variant is reported in 0.0063% of alleles in individuals of European (Non-Finnish) descent in gnomAD. At this time, the clinical significance of this variant is uncertain due to the absence of conclusive functional and genetic evidence.

Revvity Omics, Revvity
Classification: Uncertain significance. Last evaluated: 2025-03-25. Review status: criteria provided, single submitter. Criteria: ACMG Guidelines, 2015. Collection method: clinical testing. Allele origin: germline.

GeneDx
Classification: Likely benign. Last evaluated: 2018-04-11. Review status: criteria provided, single submitter. Criteria: GeneDx Variant Classification (06012015). Collection method: clinical testing. Allele origin: germline. Affected: yes.
Comment: This variant is considered likely benign or benign based on one or more of the following criteria: it is a conservative change, it occurs at a poorly conserved position in the protein, it is predicted to be benign by multiple in silico algorithms, and/or has population frequency not consistent with disease.

NM_001267550.2(TTN):c.80083G>T (p.Val26695Leu)

Genes: TTN (titin; minus strand), TTN-AS1 (TTN antisense RNA 1; plus strand). Cytogenetic location: 2q31.2.
Variant type: single nucleotide variant.
Coding change: c.80083G>T on transcript NM_001267550.2 (MANE Select); coding-DNA position 80083, G replaced by T.
Protein change: p.Val26695Leu; replaces valine 26695 with leucine.
Molecular consequence: missense variant.
Genome position (GRCh38, 1-based): chr2:178,566,049, C>A on the plus strand (G>T on the coding strand, the complement: TTN is on the minus strand). VCF-style: chr2-178566049-C-A. GRCh37 (hg19) VCF-style: chr2-179430776-C-A.
Other names: c.75160G>T, p.Val25054Leu (NM_001256850.1); c.52888G>T, p.Val17630Leu (NM_003319.4); c.72379G>T, p.Val24127Leu (NM_133378.4); c.53263G>T, p.Val17755Leu (NM_133432.3); c.53464G>T, p.Val17822Leu (NM_133437.4); short protein forms V25054L, V26695L, V24127L, V17630L, V17755L, V17822L.
Identifiers: ClinVar variation 676914 (VCV000676914.5), dbSNP rs772729384, ClinGen allele CA1989398.